The following is an entry in ClinVar:

NM_000255.4(MMUT):c.1870C>T (p.Gln624Ter)

Gene: MMUT (methylmalonyl-CoA mutase; minus strand). Cytogenetic location: 6p12.3.
Variant type: single nucleotide variant.
Coding change: c.1870C>T on transcript NM_000255.4 (MANE Select); coding-DNA position 1870, C replaced by T.
Protein change: p.Gln624Ter; replaces glutamine 624 with a stop codon.
Molecular consequence: nonsense.
Genome position (GRCh38, 1-based): chr6:49,440,292, G>A on the plus strand (C>T on the coding strand, the complement: MMUT is on the minus strand). VCF-style: chr6-49440292-G-A. GRCh37 (hg19) VCF-style: chr6-49408005-G-A.
Other names: short protein forms Q624*.
Identifiers: ClinVar variation 983778 (VCV000983778.3), dbSNP rs1767240499, ClinGen allele CA364395211.

ClinVar aggregate classification (germline): Likely pathogenic (1 of 4 stars; one submission).

Conditions:
Methylmalonic aciduria due to methylmalonyl-CoA mutase deficiency (MAMM). Also called: Methylmalonic aciduria, mut type. Identifiers: Orphanet 27, MedGen C1855114, MONDO:0009612, OMIM 251000.

Submission:

Myriad Genetics, Inc.
Classification: Likely pathogenic for Methylmalonic aciduria due to methylmalonyl-CoA mutase deficiency. Last evaluated: 2019-12-10. Review status: criteria provided, single submitter. Criteria: Myriad Women's Health Autosomal Recessive and X-Linked Classification Criteria (2019). Collection method: clinical testing. Allele origin: unknown.
Comment: NM_000255.3(MUT):c.1870C>T(Q624*) is expected to be pathogenic in the context of MUT-related methylmalonic acidemia. This variant is predicted to lead to an abnormal or absent protein product due to the creation of a premature termination codon in MUT, a gene where loss-of-function variants are known to be pathogenic. Please note: this variant was assessed in the context of healthy population screening.